The following is an entry in ClinVar:

ClinVar aggregate classification (germline): Uncertain significance (1 of 4 stars; one submission).

Conditions:
Hereditary pheochromocytoma and paraganglioma. Also called: Hereditary paragangliomas and pheochromocytomas; Hereditary Paraganglioma-Pheochromocytoma Syndromes; Hereditary pheochromocytoma-paraganglioma. Identifiers: Orphanet 29072, MedGen C4274332, MONDO:0017366.

Submission:

Labcorp Genetics (formerly Invitae), Labcorp
Classification: Uncertain significance for Hereditary pheochromocytoma and paraganglioma. Last evaluated: 2024-03-26. Review status: criteria provided, single submitter. Criteria: Invitae Variant Classification Sherloc (09022015). Collection method: clinical testing. Allele origin: germline.
Comment: This sequence change replaces phenylalanine, which is neutral and non-polar, with valine, which is neutral and non-polar, at codon 18 of the MAX protein (p.Phe18Val). This variant is not present in population databases (gnomAD no frequency). This variant has not been reported in the literature in individuals affected with MAX-related conditions. An algorithm developed to predict the effect of missense changes on protein structure and function (PolyPhen-2) suggests that this variant is likely to be tolerated. In summary, the available evidence is currently insufficient to determine the role of this variant in disease. Therefore, it has been classified as a Variant of Uncertain Significance.

NM_002382.5(MAX):c.52T>G (p.Phe18Val)

Gene: MAX (MYC associated transcriptional regulator X; minus strand). Cytogenetic location: 14q23.3.
Variant type: single nucleotide variant.
Coding change: c.52T>G on transcript NM_002382.5 (MANE Select); coding-DNA position 52, T replaced by G.
Protein change: p.Phe18Val; replaces phenylalanine 18 with valine.
Molecular consequence: missense variant. On other transcripts: intron variant (14), non-coding transcript variant (7), 5 prime UTR variant (4), synonymous variant (1).
Genome position (GRCh38, 1-based): chr14:65,101,557, A>C on the plus strand (T>G on the coding strand, the complement: MAX is on the minus strand). VCF-style: chr14-65101557-A-C. GRCh37 (hg19) VCF-style: chr14-65568275-A-C.
Other names: c.36+747T>G (NM_001407109.1, NM_001407099.1, NM_001407100.1 and 9 more transcripts); c.-305+952T>G (NM_001407112.1); c.-212+747T>G (NM_001407107.1); c.-316T>G (NM_001407111.1); c.75T>G, p.Gly25= (NM_001407114.1); c.52T>G, p.Phe18Val (NM_145113.3, NM_145114.3, NM_197957.4 and 6 more transcripts); c.-223T>G (NM_001320415.2, NM_001407105.1, NM_001407106.1); short protein forms F18V.
Identifiers: ClinVar variation 3675287 (VCV003675287.2).